The following is an entry in ClinVar:

ClinVar aggregate classification (germline): Pathogenic (1 of 4 stars; one submission).

Submission:

Athena Diagnostics
Classification: Pathogenic. Last evaluated: 2020-06-11. Review status: criteria provided, single submitter. Criteria: Athena Diagnostics Criteria. Collection method: clinical testing. Allele origin: unknown.
Comment: The variant results in a shift of the reading frame, and is therefore predicted to result in the loss of a functional protein. Found in at least one patient with expected phenotype for this gene, and not found in general population data.

NM_001042492.3(NF1):c.1929dup (p.Ser644fs)

Gene: NF1 (neurofibromin 1; plus strand). Cytogenetic location: 17q11.2.
Variant type: Duplication.
Coding change: c.1929dup on transcript NM_001042492.3 (MANE Select); coding-DNA position 1929, one base duplicated (G; older notation c.1929dupG).
Protein change: p.Ser644fs; shifts the reading frame from serine 644.
Molecular consequence: frameshift variant.
Genome position (GRCh38, 1-based): chr17:31,225,178, G duplicated. VCF-style (leftmost placement, unchanged base first): chr17-31225177-T-TG. GRCh37 (hg19) VCF-style: chr17-29552195-T-TG.
Other names: c.1929dup, p.Ser644Valfs (NM_000267.4); short protein forms S644fs.
Identifiers: ClinVar variation 995186 (VCV000995186.1), dbSNP rs2066991676, ClinGen allele CA1139665415.